The following is an entry in ClinVar:

NM_001174089.2(SLC4A11):c.1790_1794dup (p.Ile599fs)

Gene: SLC4A11 (solute carrier family 4 member 11; minus strand). Cytogenetic location: 20p13.
Variant type: Duplication.
Coding change: c.1790_1794dup on transcript NM_001174089.2 (MANE Select); coding-DNA positions 1790 to 1794, 5 bases duplicated (TGCCC; older notation c.1790_1794dupTGCCC).
Protein change: p.Ile599fs; shifts the reading frame from isoleucine 599.
Molecular consequence: frameshift variant. On other transcripts: non-coding transcript variant (1).
Genome position (GRCh38, 1-based): chr20:3,229,401-3,229,405, GGGCA duplicated on the plus strand (TGCCC on the coding strand, the reverse complement: SLC4A11 is on the minus strand); duplicating any 5 consecutive bases within chr20:3,229,401-3,229,409 gives the same sequence; the c. name uses the placement nearest the transcript's 3' end. VCF-style (leftmost placement, unchanged base first): chr20-3229400-T-TGGGCA. GRCh37 (hg19) VCF-style: chr20-3210046-T-TGGGCA.
Other names: c.1919_1923dup, p.Ile642fs (NM_001174090.2); c.1676_1680dup, p.Ile561fs (NM_001363745.2); c.1838_1842dup, p.Ile615fs (NM_032034.4); short protein forms I561fs, I599fs, I642fs, I615fs.
Identifiers: ClinVar variation 1455618 (VCV001455618.6), dbSNP rs2122520738, ClinGen allele CA2573156900.

ClinVar aggregate classification (germline): Pathogenic (1 of 4 stars; one submission).

Submission:

Labcorp Genetics (formerly Invitae), Labcorp
Classification: Pathogenic. Last evaluated: 2021-04-14. Review status: criteria provided, single submitter. Criteria: Invitae Variant Classification Sherloc (09022015). Collection method: clinical testing. Allele origin: germline.
Comment: For these reasons, this variant has been classified as Pathogenic. This variant has not been reported in the literature in individuals with SLC4A11-related conditions. This variant is not present in population databases (ExAC no frequency). This sequence change creates a premature translational stop signal (p.Ile615Cysfs*21) in the SLC4A11 gene. It is expected to result in an absent or disrupted protein product. Loss-of-function variants in SLC4A11 are known to be pathogenic (PMID: 17220209, 17679935).

Literature cited by the submitters: PubMed 17220209; PubMed 17679935.